The following is an entry in ClinVar:

NM_001267550.2(TTN):c.11311+1079_11311+1080dup

Gene: TTN (titin; minus strand). Cytogenetic location: 2q31.2.
Variant type: Duplication.
Coding change: c.11311+1079_11311+1080dup on transcript NM_001267550.2 (MANE Select); bases 1079 to 1080 of the intron after coding-DNA position 11311, 2 bases duplicated (TT; older notation c.11311+1079_11311+1080dupTT).
Molecular consequence: intron variant.
Genome position (GRCh38, 1-based): chr2:178,752,044-178,752,045, AA duplicated on the plus strand (TT on the coding strand, the reverse complement: TTN is on the minus strand); duplicating any 2 consecutive bases within chr2:178,752,044-178,752,058 gives the same sequence; the c. name uses the placement nearest the transcript's 3' end. VCF-style (leftmost placement, unchanged base first): chr2-178752043-G-GAA. GRCh37 (hg19) VCF-style: chr2-179616770-G-GAA.
Other names: c.10222+1079_10222+1080dup (NM_003319.4); c.10798+1079_10798+1080dup (NM_133437.4); c.10597+1079_10597+1080dup (NM_133432.3); c.10360+1079_10360+1080dup (NM_133378.4, NM_001256850.1); c.10361-6_10361-5dup (NM_133379.5).
Identifiers: ClinVar variation 3045594 (VCV003045594.2), dbSNP rs58651353, ClinGen allele CA2003919.

ClinVar aggregate classification (germline): Likely benign (0 of 4 stars; one submission).

Conditions:
TTN-related disorder. Also called: TTN-related condition; TTN-related disease; TTN-related disorders.

Submission:

PreventionGenetics, part of Exact Sciences
Classification: Likely benign for TTN-related condition. Last evaluated: 2019-10-21. Review status: no assertion criteria provided. Collection method: clinical testing. Allele origin: germline.
Comment: This variant is classified as likely benign based on ACMG/AMP sequence variant interpretation guidelines (Richards et al. 2015 PMID: 25741868, with internal and published modifications).